The following is an entry in ClinVar:

NM_004408.4(DNM1):c.1135T>C (p.Phe379Leu)

Gene: DNM1 (dynamin 1; plus strand). Cytogenetic location: 9q34.11.
Variant type: single nucleotide variant.
Coding change: c.1135T>C on transcript NM_004408.4 (MANE Select); coding-DNA position 1135, T replaced by C.
Protein change: p.Phe379Leu; replaces phenylalanine 379 with leucine.
Molecular consequence: missense variant.
Genome position (GRCh38, 1-based): chr9:128,222,799, T>C. VCF-style: chr9-128222799-T-C. GRCh37 (hg19) VCF-style: chr9-130985078-T-C.
Other names: c.1135T>C, p.Phe379Leu (NM_001005336.3, NM_001288737.2, NM_001288738.2 and 2 more transcripts); short protein forms F379L.
Identifiers: ClinVar variation 4689247 (VCV004689247.1).

ClinVar aggregate classification (germline): Uncertain significance (1 of 4 stars; one submission).

gnomAD v4.1: 5 of 1,613,902 alleles (0.00031%); highest among the groups gnomAD compares: Non-Finnish European, 0.00042%; no homozygotes.

Submission:

Women's Health and Genetics/Laboratory Corporation of America, LabCorp
Classification: Uncertain significance. Last evaluated: 2026-01-19. Review status: criteria provided, single submitter. Criteria: LabCorp Variant Classification Summary - May 2015. Collection method: clinical testing. Allele origin: germline.
Comment: Variant summary: DNM1 c.1135T>C (p.Phe379Leu) results in a non-conservative amino acid change in the encoded protein sequence. Algorithms developed to predict the effect of missense changes on protein structure and function are either unavailable or do not agree on the potential impact of this missense change. The variant allele was found at a frequency of 4e-06 in 251424 control chromosomes. The available data on variant occurrences in the general population are insufficient to allow any conclusion about variant significance. To our knowledge, no occurrence of c.1135T>C in individuals affected with DNM1-related conditions and no experimental evidence demonstrating its impact on protein function have been reported. No submitters have cited clinical-significance assessments for this variant to ClinVar. Based on the evidence outlined above, the variant was classified as uncertain significance.